The following is an entry in ClinVar:

NM_006206.6(PDGFRA):c.2775-10G>A

Gene: PDGFRA (platelet derived growth factor receptor alpha; plus strand). Cytogenetic location: 4q12.
Variant type: single nucleotide variant.
Coding change: c.2775-10G>A on transcript NM_006206.6 (MANE Select); 10 bases into the intron before coding-DNA position 2775, G replaced by A.
Molecular consequence: intron variant.
Genome position (GRCh38, 1-based): chr4:54,288,999, G>A. VCF-style: chr4-54288999-G-A. GRCh37 (hg19) VCF-style: chr4-55155166-G-A.
Other names: c.2850-10G>A (NM_001347828.2); c.2775-10G>A (NM_001347829.2); c.2814-10G>A (NM_001347830.2).
Identifiers: ClinVar variation 1583008 (VCV001583008.9), dbSNP rs1060504249, ClinGen allele CA1458539383.
Genomic context (GRCh38, chr4:54,288,999, plus strand): 5'-TGTGGGTCTAGGGGGAGGGAGGGGCCCTGAGACTTCCCCCTGTGCCCACTCTTGAGTTCT[G>A]TCCCCACAGCTACGAGATCATGGTGAAATGCTGGAACAGTGAGCCGGAGAAGAGACCCTC-3'

ClinVar aggregate classification (germline): Likely benign. Review status: criteria provided, multiple submitters, no conflicts (2 of 4 stars). 2 submissions from 2 submitters: Likely benign (2). Last evaluated 2026-06-15.

Conditions:
Gastrointestinal stromal tumor. Also called: Gastrointestinal stromal tumor, somatic; Gastrointestinal stroma tumor. Identifiers: Orphanet 44890, MedGen C0238198, MeSH D046152, MONDO:0011719, OMIM 606764, HP:0100723.
Polyps, multiple and recurrent inflammatory fibroid, gastrointestinal. Identifiers: MedGen C5193005, MONDO:0008285, OMIM 175510.

Allele frequency attached by ClinVar (database versions not stated): TOPMed below 0.00001.

Submissions (2):

Myriad Genetics, Inc.
Classification: Likely benign for Polyps, multiple and recurrent inflammatory fibroid, gastrointestinal. Last evaluated: 2026-06-15. Review status: criteria provided, single submitter. Criteria: Myriad Autosomal Dominant, Autosomal Recessive and X-Linked Classification Criteria (2023). Collection method: clinical testing. Allele origin: unknown.
Comment: This variant is considered likely benign. This variant is intronic and is not expected to impact mRNA splicing.

Labcorp Genetics (formerly Invitae), Labcorp
Classification: Likely benign for Gastrointestinal stromal tumor. Last evaluated: 2026-01-07. Review status: criteria provided, single submitter. Criteria: Invitae Variant Classification Sherloc (09022015). Collection method: clinical testing. Allele origin: germline.